The following is an entry in ClinVar:

ClinVar aggregate classification (germline): Uncertain significance (1 of 4 stars; one submission).

Allele frequency attached by ClinVar (database versions not stated): TOPMed 0.00001; gnomAD 0.00003; ExAC 0.00007.
gnomAD v4.1: 53 of 1,613,164 alleles (0.0033%); highest among the groups gnomAD compares: South Asian, 0.045%; no homozygotes.

Submission:

GeneDx
Classification: Uncertain significance. Last evaluated: 2023-01-05. Review status: criteria provided, single submitter. Criteria: GeneDx Variant Classification Process June 2021. Collection method: clinical testing. Allele origin: germline. Affected: yes.
Comment: Has not been previously published as pathogenic or benign to our knowledge; In silico analysis is inconclusive as to whether the variant alters gene splicing. In the absence of RNA/functional studies, the actual effect of this sequence change is unknown.

NM_007118.4(TRIO):c.4615-10T>A

Genes: TRIO (trio Rho guanine nucleotide exchange factor; plus strand), LOC126807321 (BRD4-independent group 4 enhancer GRCh37_chr5:14399912-14401111; plus strand). Cytogenetic location: 5p15.2.
Variant type: single nucleotide variant.
Coding change: c.4615-10T>A on transcript NM_007118.4 (MANE Select); 10 bases into the intron before coding-DNA position 4615, T replaced by A.
Molecular consequence: intron variant.
Genome position (GRCh38, 1-based): chr5:14,400,953, T>A. VCF-style: chr5-14400953-T-A. GRCh37 (hg19) VCF-style: chr5-14401062-T-A.
Identifiers: ClinVar variation 2571753 (VCV002571753.1), dbSNP rs759080620, ClinGen allele CA3206534.